The following is an entry in ClinVar:

NM_020693.4(DSCAML1):c.2870T>C (p.Val957Ala)

Gene: DSCAML1 (DS cell adhesion molecule like 1; minus strand). Cytogenetic location: 11q23.3.
Variant type: single nucleotide variant.
Coding change: c.2870T>C on transcript NM_020693.4 (MANE Select); coding-DNA position 2870, T replaced by C.
Protein change: p.Val957Ala; replaces valine 957 with alanine.
Molecular consequence: missense variant.
Genome position (GRCh38, 1-based): chr11:117,471,952, A>G on the plus strand (T>C on the coding strand, the complement: DSCAML1 is on the minus strand). VCF-style: chr11-117471952-A-G. GRCh37 (hg19) VCF-style: chr11-117342667-A-G.
Other names: short protein forms V957A.
Identifiers: ClinVar variation 3702477 (VCV003702477.2).

ClinVar aggregate classification (germline): Uncertain significance (1 of 4 stars; one submission).

gnomAD v4.1: 1 of 1,614,038 alleles (0.000062%); highest among the groups gnomAD compares: Non-Finnish European, 0.000085%; no homozygotes.

Submission:

Labcorp Genetics (formerly Invitae), Labcorp
Classification: Uncertain significance. Last evaluated: 2024-10-05. Review status: criteria provided, single submitter. Criteria: Invitae Variant Classification Sherloc (09022015). Collection method: clinical testing. Allele origin: germline.
Comment: This sequence change replaces valine, which is neutral and non-polar, with alanine, which is neutral and non-polar, at codon 1017 of the DSCAML1 protein (p.Val1017Ala). This variant is not present in population databases (gnomAD no frequency). This variant has not been reported in the literature in individuals affected with DSCAML1-related conditions. An algorithm developed to predict the effect of missense changes on protein structure and function (PolyPhen-2) suggests that this variant is likely to be tolerated. In summary, the available evidence is currently insufficient to determine the role of this variant in disease. Therefore, it has been classified as a Variant of Uncertain Significance.